The following is an entry in ClinVar:

NM_004082.5(DCTN1):c.279+1G>C

Gene: DCTN1 (dynactin subunit 1; minus strand). Cytogenetic location: 2p13.1.
Variant type: single nucleotide variant.
Coding change: c.279+1G>C on transcript NM_004082.5 (MANE Select); the canonical splice donor site of the intron after coding-DNA position 279, G replaced by C.
Molecular consequence: splice donor variant.
Genome position (GRCh38, 1-based): chr2:74,377,999, C>G on the plus strand (G>C on the coding strand, the complement: DCTN1 is on the minus strand). VCF-style: chr2-74377999-C-G. GRCh37 (hg19) VCF-style: chr2-74605126-C-G.
Other names: c.228+1G>C (NM_001190836.2, NM_001378992.1, NM_001378991.1); c.279+1G>C (NM_001135040.3, NM_001190837.2).
Identifiers: ClinVar variation 447236 (VCV000447236.14), dbSNP rs1393363759, ClinGen allele CA347321489.

ClinVar aggregate classification (germline): Conflicting classifications of pathogenicity. Review status: criteria provided, conflicting classifications (1 of 4 stars). 5 submissions from 5 submitters: Pathogenic (1); Likely pathogenic (3); Uncertain significance (1). Last evaluated 2025-08-06.

Conditions:
Neuronopathy, distal hereditary motor, type 7B. Also called: NEURONOPATHY, DISTAL HEREDITARY MOTOR, AUTOSOMAL DOMINANT 14; NEURONOPATHY, DISTAL HEREDITARY MOTOR, HARDING TYPE VIIB; NEUROPATHY, DISTAL HEREDITARY MOTOR, HARDING TYPE VIIB; NEUROPATHY, DISTAL HEREDITARY MOTOR, WITH VOCAL CORD PARALYSIS, HARDING TYPE VIIB; Distal Hereditary Motor Neuronopathy Type 7B (dHMN7B); HMN VIIB. Identifiers: Orphanet 139589, MedGen C1843315, MONDO:0011879, OMIM 607641.
Perry syndrome. Also called: PARKINSONISM WITH ALVEOLAR HYPOVENTILATION AND MENTAL DEPRESSION. Identifiers: Orphanet 178509, MedGen C1868594, MONDO:0008201, OMIM 168605.
Amyotrophic lateral sclerosis type 1 (ALS1). Also called: AMYOTROPHIC LATERAL SCLEROSIS 1, FAMILIAL. Identifiers: Orphanet 803, MedGen C1862939, MONDO:0007103, OMIM 105400.
Amyotrophic lateral sclerosis (ALS). Also called: Charcot disease; Lou Gehrig disease. Identifiers: Orphanet 803, MedGen C0002736, MONDO:0004976, HP:0007354.

Submissions (5):

Labcorp Genetics (formerly Invitae), Labcorp
Classification: Pathogenic for Amyotrophic lateral sclerosis type 1; Neuronopathy, distal hereditary motor, type 7B; Perry syndrome. Last evaluated: 2025-08-06. Review status: criteria provided, single submitter. Criteria: Invitae Variant Classification Sherloc (09022015). Collection method: clinical testing. Allele origin: germline.
Comment: This sequence change affects a donor splice site in intron 2 of the DCTN1 gene. It is expected to disrupt RNA splicing. Variants that disrupt the donor or acceptor splice site typically lead to a loss of protein function (PMID: 16199547), however the current clinical and genetic evidence is not sufficient to establish whether loss-of-function variants in DCTN1 cause disease. This variant is not present in population databases (gnomAD no frequency). Disruption of this splice site has been observed in individual(s) with clinical features of hereditary motor neuropathy (PMID: 25590979; internal data). In at least one individual the variant was observed to be de novo. It has also been observed to segregate with disease in related individuals. ClinVar contains an entry for this variant (Variation ID: 447236). Algorithms developed to predict the effect of sequence changes on RNA splicing suggest that this variant may disrupt the consensus splice site. For these reasons, this variant has been classified as Pathogenic.

Athena Diagnostics
Classification: Likely pathogenic. Last evaluated: 2025-03-10. Review status: criteria provided, single submitter. Criteria: Athena Diagnostics Criteria. Collection method: clinical testing. Allele origin: unknown.
Comment: This variant alters a critical location within the protein, and is expected to severely affect function and cause disease. This variant has not been reported in large, multi-ethnic general populations. This variant has been identified in at least one individual with clinical features associated with this gene.

Victorian Clinical Genetics Services, Murdoch Childrens Research Institute
Classification: Likely pathogenic for Perry syndrome. Last evaluated: 2024-10-09. Review status: criteria provided, single submitter. Criteria: ACMG Guidelines, 2015. Collection method: clinical testing. Allele origin: germline. Affected: no.
Comment: This variant is classified as Likely pathogenic. Evidence in support of pathogenic classification: Canonical splice site variant without proven consequence on splicing (no functional evidence available); Variant is absent from gnomAD (v2, v3 and v4); Other splice site variants comparable to the one identified in this case have limited previous evidence for pathogenicity. c.279+2T>C has been reported de novo in an individual with a progressive neuromuscular disorder (PMID: 25590979). c.279+1G>A has been reported once as pathogenic and twice as a VUS, with no further information provided (ClinVar). c.279+1G>T has been reported twice as pathogenic (ClinVar) and in an individual with Perry syndrome (PMID: 37668947); Abnormal splicing is predicted by in silico tool and affected nucleotide is highly conserved. Additional information: This variant is heterozygous; This gene is associated with autosomal dominant disease; An alternative nucleotide change at the same canonical splice site is observed in gnomAD (v4: 1 heterozygote(s), 0 homozygote(s)); Previous reports of pathogenicity for this variant are conflicting. This variant has been reported once as pathogenic and once as a VUS (ClinVar); No published segregation evidence has been identified for this variant; No published functional evidence has been identified for this variant; Dominant negative is a known mechanism of disease in this gene and is associated with neuronopathy, distal hereditary motor, type VIIB (MIM#607641) and Perry syndrome (MIM#168605) (PMID: 20945553). Loss of function has also been suggested, however, only one loss of function variant has been reported (PMID: 32023010); Variants in this gene are known to have variable expressivity. Members of the same family have been reported with both Perry syndrome and neuronopathy, distal hereditary motor, type VIIB (PMID: 20945553); Inheritance information for this variant is not currently available in this individual.

Molecular Genetics, Royal Melbourne Hospital
Classification: Likely pathogenic for Amyotrophic lateral sclerosis. Last evaluated: 2024-02-05. Review status: criteria provided, single submitter. Criteria: ACMG Guidelines, 2015. Collection method: clinical testing. Allele origin: germline. Inheritance: Autosomal dominant inheritance. Affected: yes.
Comment: This sequence change in DCTN1 occurs within the canonical splice donor site of intron 2. It is predicted to activate a cryptic donor site resulting in an in-frame 108 bp deletion (removes amino acids 58-93) that is expected to escape nonsense-mediated decay and remove part of CAP-Gly domain (cytoskeleton-associated protein glycine-rich) that is essential for microtubule binding (PMID: 36879021, 37668947). This variant is absent from the population database gnomAD v4.0. This variant has been reported in at least two probands with a phenotype consistent with DCTN1-related neurodegeneration (Royal Melbourne Hospital; Invitae - unpublished data). Variants disrupting this splice site have been observed in individuals with a phenotype consistent with DCTN1-related neurodegeneration (PMID: 25590979, 33443672, 37668947), including one variant with sufficient evidence for a likely pathogenic classification (c.279G>C p.(Gln93His); ClinVar ID: 2575870). Based on the classification scheme RMH Modified ACMG/AMP Guidelines v1.6.1, this variant is classified as LIKELY PATHOGENIC. Following criteria are met: PVS1_Strong, PM2_Supporting, PS1_Supporting, PS4_Supporting.

Blueprint Genetics
Classification: Uncertain significance. Last evaluated: 2021-05-24. Review status: criteria provided, single submitter. Criteria: ACMG Guidelines, 2015. Collection method: clinical testing. Allele origin: germline.

Literature cited by the submitters: PubMed 16199547 (cited by Labcorp Genetics (formerly Invitae), Labcorp); PubMed 25590979 (cited by 3 submitters); PubMed 20945553 (cited by Victorian Clinical Genetics Services, Murdoch Childrens Research Institute); PubMed 32023010 (cited by Victorian Clinical Genetics Services, Murdoch Childrens Research Institute); PubMed 37668947 (cited by Victorian Clinical Genetics Services, Murdoch Childrens Research Institute and Molecular Genetics, Royal Melbourne Hospital); PubMed 33443672 (cited by Molecular Genetics, Royal Melbourne Hospital); PubMed 36879021 (cited by Molecular Genetics, Royal Melbourne Hospital).